The following is an entry in ClinVar:

NM_004606.5(TAF1):c.4001C>T (p.Ala1334Val)

Gene: TAF1 (TATA-box binding protein associated factor 1; plus strand). Cytogenetic location: Xq13.1.
Variant type: single nucleotide variant.
Coding change: c.4001C>T on transcript NM_004606.5 (MANE Select); coding-DNA position 4001, C replaced by T.
Protein change: p.Ala1334Val; replaces alanine 1334 with valine.
Molecular consequence: missense variant. On other transcripts: non-coding transcript variant (9).
Genome position (GRCh38, 1-based): chrX:71,406,640, C>T. VCF-style: chrX-71406640-C-T. GRCh37 (hg19) VCF-style: chrX-70626490-C-T.
Other names: c.4001C>T, p.Ala1334Val (NM_001286074.2); c.3938C>T, p.Ala1313Val (NM_138923.4); short protein forms A1334V, A1313V.
Identifiers: ClinVar variation 2917210 (VCV002917210.3), dbSNP rs1031560005, ClinGen allele CA331025873.

ClinVar aggregate classification (germline): Uncertain significance (1 of 4 stars; one submission).

Allele frequency attached by ClinVar (database versions not stated): TOPMed 0.00001.

Submission:

Labcorp Genetics (formerly Invitae), Labcorp
Classification: Uncertain significance. Last evaluated: 2024-10-25. Review status: criteria provided, single submitter. Criteria: Invitae Variant Classification Sherloc (09022015). Collection method: clinical testing. Allele origin: germline.
Comment: This sequence change replaces alanine, which is neutral and non-polar, with valine, which is neutral and non-polar, at codon 1354 of the TAF1 protein (p.Ala1354Val). This variant is not present in population databases (gnomAD no frequency). This variant has not been reported in the literature in individuals affected with TAF1-related conditions. An algorithm developed to predict the effect of missense changes on protein structure and function (PolyPhen-2) suggests that this variant is likely to be tolerated. In summary, the available evidence is currently insufficient to determine the role of this variant in disease. Therefore, it has been classified as a Variant of Uncertain Significance.